The following is an entry in ClinVar:

ClinVar aggregate classification (germline): Pathogenic. Review status: criteria provided, multiple submitters, no conflicts (2 of 4 stars). 6 submissions from 6 submitters: Pathogenic (4). 2 of the submissions do not count toward it. Last evaluated 2023-12-03.

Conditions:
OCRL-related disorder. Also called: OCRL-related condition.
Lowe syndrome (OCRL). Also called: Oculocerebrorenal Syndrome; LOWE OCULOCEREBRORENAL SYNDROME; PHOSPHATIDYLINOSITOL 4,5-BISPHOSPHATE 5-PHOSPHATASE DEFICIENCY. Identifiers: Orphanet 534, MedGen C0028860, MONDO:0010645, OMIM 309000.

Submissions (6):

Labcorp Genetics (formerly Invitae), Labcorp
Classification: Pathogenic for Lowe syndrome. Last evaluated: 2023-12-03. Review status: criteria provided, single submitter. Criteria: Invitae Variant Classification Sherloc (09022015). Collection method: clinical testing. Allele origin: germline.
Comment: This sequence change replaces arginine, which is basic and polar, with glutamine, which is neutral and polar, at codon 500 of the OCRL protein (p.Arg500Gln). This variant is not present in population databases (gnomAD no frequency). This missense change has been observed in individuals with Lowe syndrome (PMID: 25480730, 35919034). ClinVar contains an entry for this variant (Variation ID: 10858). Advanced modeling of protein sequence and biophysical properties (such as structural, functional, and spatial information, amino acid conservation, physicochemical variation, residue mobility, and thermodynamic stability) performed at Invitae indicates that this missense variant is expected to disrupt OCRL protein function with a positive predictive value of 95%. For these reasons, this variant has been classified as Pathogenic.

Blueprint Genetics
Classification: Pathogenic for OCRL-related disorders. Last evaluated: 2019-03-12. Review status: criteria provided, single submitter. Criteria: ACMG Guidelines, 2015. Collection method: clinical testing. Allele origin: germline. Affected: yes. Observed: 1 variant allele.

Equipe Genetique des Anomalies du Developpement, Université de Bourgogne
Classification: Pathogenic for Lowe syndrome. Last evaluated: 2018-05-09. Review status: criteria provided, single submitter. Criteria: ACMG Guidelines, 2015. Collection method: clinical testing. Allele origin: maternal. Affected: yes.

Eurofins Ntd Llc (ga)
Classification: Pathogenic. Last evaluated: 2014-08-27. Review status: criteria provided, single submitter. Criteria: EGL Classification Definitions 2015. Collection method: clinical testing. Allele origin: germline.

OMIM
Classification: Pathogenic for LOWE OCULOCEREBRORENAL SYNDROME. Last evaluated: 1998-06-05. Review status: no assertion criteria provided. Collection method: literature only. Allele origin: germline. Not counted in ClinVar's aggregate classification.

UniProtKB/Swiss-Prot
No classification provided. Condition: Lowe syndrome. Review status: no classification provided. Collection method: not provided. Allele origin: germline. Not counted in ClinVar's aggregate classification.

Literature cited by the submitters: PubMed 25480730 (cited by Labcorp Genetics (formerly Invitae), Labcorp); PubMed 35919034 (cited by Labcorp Genetics (formerly Invitae), Labcorp); PubMed 10767176 (cited by Eurofins Ntd Llc (ga)); PubMed 24711037 (cited by Eurofins Ntd Llc (ga)); PubMed 9632163 (cited by Eurofins Ntd Llc (ga) and OMIM); PubMed 9682219 (cited by Eurofins Ntd Llc (ga)).

NM_000276.4(OCRL):c.1499G>A (p.Arg500Gln)

Gene: OCRL (OCRL inositol polyphosphate-5-phosphatase; plus strand). Cytogenetic location: Xq26.1.
Variant type: single nucleotide variant.
Coding change: c.1499G>A on transcript NM_000276.4 (MANE Select); coding-DNA position 1499, G replaced by A.
Protein change: p.Arg500Gln; replaces arginine 500 with glutamine.
Molecular consequence: missense variant.
Genome position (GRCh38, 1-based): chrX:129,569,296, G>A. VCF-style: chrX-129569296-G-A. GRCh37 (hg19) VCF-style: chrX-128703273-G-A.
Other names: R577Q; c.1502G>A, p.Arg501Gln (NM_001318784.2); c.1499G>A, p.Arg500Gln (NM_001587.4); short protein forms R500Q, R501Q.
Identifiers: ClinVar variation 10858 (VCV000010858.10), dbSNP rs137853260, ClinGen allele CA255583.